The following is an entry in ClinVar:

ClinVar aggregate classification (germline): Likely pathogenic (1 of 4 stars; one submission).

Conditions:
X-linked severe combined immunodeficiency (SCIDX1). Also called: IMMUNODEFICIENCY 4; SCID, X-LINKED; SEVERE COMBINED IMMUNODEFICIENCY, X-LINKED, T CELL-NEGATIVE, B CELL-POSITIVE, NK CELL-NEGATIVE; T-B+ severe combined immunodeficiency due to gamma chain deficiency; X-Linked Combined Immunodeficiency Diseases. Identifiers: Orphanet 276, MedGen C6022468, MONDO:0010315, OMIM 300400. Disease mechanism: loss of function.
Combined immunodeficiency, X-linked (CIDX). Also called: IMMUNODEFICIENCY 6. Identifiers: MedGen C6022467, MONDO:0010730, OMIM 312863.

Submission:

Center for Genomics, Ann and Robert H. Lurie Children's Hospital of Chicago
Classification: Likely pathogenic for Combined immunodeficiency, X-linked; X-linked severe combined immunodeficiency. Review status: criteria provided, single submitter. Criteria: ACMG Guidelines, 2015. Collection method: clinical testing. Allele origin: germline.
Comment: IL2RG NM_000206.2 exon 1 p.Thr25Argfs*4 (c.74del): This variant has not been reported in the literature and is not present in large control databases. Evolutionary conservation and computational predictive tools for this variant are limited or unavailable. This variant is a deletion of 1 nucleotide at position 74 and creates premature stop codon 4 amino acids downstream from this location which results in an absent or abnormal protein. Loss of function variants have been reported in association with disease for this gene (Niemela 2000 PMID:10794430). In summary, data on this variant is highly suspicious for disease, but requires further evidence for pathogenicity. Therefore, this variant is classified as likely pathogenic.

NM_000206.3(IL2RG):c.74del (p.Thr25fs)

Genes: IL2RG (interleukin 2 receptor subunit gamma; minus strand), LOC126863274 (MED14-independent group 3 enhancer GRCh37_chrX:70330888-70332087; plus strand). Cytogenetic location: Xq13.1.
Variant type: Deletion.
Coding change: c.74del on transcript NM_000206.3 (MANE Select); coding-DNA position 74, one base deleted (C; older notation c.74delC).
Protein change: p.Thr25fs; shifts the reading frame from threonine 25.
Molecular consequence: frameshift variant.
Genome position (GRCh38, 1-based): chrX:71,111,466, G deleted on the plus strand (C on the coding strand, the reverse complement: IL2RG is on the minus strand). VCF-style (leftmost placement, unchanged base first): chrX-71111465-CG-C. GRCh37 (hg19) VCF-style: chrX-70331315-CG-C.
Other names: short protein forms T25fs.
Identifiers: ClinVar variation 1675093 (VCV001675093.2), dbSNP rs2147751859, ClinGen allele CA2573159602.